The following is an entry in ClinVar:

ClinVar aggregate classification (germline): Uncertain significance (1 of 4 stars; one submission).

Submission:

Labcorp Genetics (formerly Invitae), Labcorp
Classification: Uncertain significance. Last evaluated: 2023-08-28. Review status: criteria provided, single submitter. Criteria: Invitae Variant Classification Sherloc (09022015). Collection method: clinical testing. Allele origin: germline.
Comment: In summary, the available evidence is currently insufficient to determine the role of this variant in disease. Therefore, it has been classified as a Variant of Uncertain Significance. Algorithms developed to predict the effect of missense changes on protein structure and function output the following: SIFT: "Not Available"; PolyPhen-2: "Possibly Damaging"; Align-GVGD: "Not Available". The alanine amino acid residue is found in multiple mammalian species, which suggests that this missense change does not adversely affect protein function. This variant has not been reported in the literature in individuals affected with NLRP1-related conditions. This variant is not present in population databases (gnomAD no frequency). This sequence change replaces glycine, which is neutral and non-polar, with alanine, which is neutral and non-polar, at codon 309 of the NLRP1 protein (p.Gly309Ala).

NM_033004.4(NLRP1):c.926G>C (p.Gly309Ala)

Gene: NLRP1 (NLR family pyrin domain containing 1; minus strand). Cytogenetic location: 17p13.2.
Variant type: single nucleotide variant.
Coding change: c.926G>C on transcript NM_033004.4 (MANE Select); coding-DNA position 926, G replaced by C.
Protein change: p.Gly309Ala; replaces glycine 309 with alanine.
Molecular consequence: missense variant.
Genome position (GRCh38, 1-based): chr17:5,559,770, C>G on the plus strand (G>C on the coding strand, the complement: NLRP1 is on the minus strand). VCF-style: chr17-5559770-C-G. GRCh37 (hg19) VCF-style: chr17-5463090-C-G.
Other names: c.926G>C, p.Gly309Ala (NM_001033053.3, NM_014922.5, NM_033006.4 and 1 more transcripts); short protein forms G309A.
Identifiers: ClinVar variation 2875621 (VCV002875621.3), dbSNP rs2507941897, ClinGen allele CA397387608.